The following is an entry in ClinVar:

NM_000264.5(PTCH1):c.2165G>C (p.Cys722Ser)

Genes: PTCH1 (patched 1; minus strand), LOC100507346 (uncharacterized LOC100507346; plus strand). Cytogenetic location: 9q22.32.
Variant type: single nucleotide variant.
Coding change: c.2165G>C on transcript NM_000264.5 (MANE Select); coding-DNA position 2165, G replaced by C.
Protein change: p.Cys722Ser; replaces cysteine 722 with serine.
Molecular consequence: missense variant. On other transcripts: non-coding transcript variant (2).
Genome position (GRCh38, 1-based): chr9:95,468,836, C>G on the plus strand (G>C on the coding strand, the complement: PTCH1 is on the minus strand). VCF-style: chr9-95468836-C-G. GRCh37 (hg19) VCF-style: chr9-98231118-C-G.
Other names: c.1967G>C, p.Cys656Ser (NM_001083602.3); c.2162G>C, p.Cys721Ser (NM_001083603.3); c.1712G>C, p.Cys571Ser (NM_001083604.3, NM_001083605.3, NM_001083606.3 and 1 more transcripts); c.2009G>C, p.Cys670Ser (NM_001354918.2); short protein forms C670S, C721S, C722S, C571S, C656S.
Identifiers: ClinVar variation 3230973 (VCV003230973.1), dbSNP rs2118031658, ClinGen allele CA374115475.
Genomic context (GRCh38, chr9:95,468,836, plus strand): 5'-GGAGCATAGTGCTTCTCAGCAAAAGATGAGAGTGTCCACTTCGTACAGGGGGGCTCGAGG[C>G]AGTGGAGGCTGGAGTCGGAGAACTGGGAGAGCAGGTCCCTTGTGGAGCTGGTGCTCTCTG-3'
Protein context (NP_000255.2, residues 712-732): LSQFSDSSLH[Cys722Ser]LEPPCTKWTL

ClinVar aggregate classification (germline): Uncertain significance (1 of 4 stars; one submission).

Conditions:
Hereditary cancer-predisposing syndrome. Also called: Neoplastic Syndromes, Hereditary; Tumor predisposition; Hereditary neoplastic syndrome; Hereditary Cancer Syndrome. Identifiers: Orphanet 140162, MedGen C0027672, MeSH D009386, MONDO:0015356.

Submission:

Ambry Genetics
Classification: Uncertain significance for Hereditary cancer-predisposing syndrome. Last evaluated: 2023-12-22. Review status: criteria provided, single submitter. Criteria: Ambry Variant Classification Scheme 2023. Collection method: clinical testing. Allele origin: germline.
Comment: The p.C722S variant (also known as c.2165G>C), located in coding exon 14 of the PTCH1 gene, results from a G to C substitution at nucleotide position 2165. The cysteine at codon 722 is replaced by serine, an amino acid with dissimilar properties. This amino acid position is conserved. In addition, this alteration is predicted to be deleterious by in silico analysis. Since supporting evidence is limited at this time, the clinical significance of this alteration remains unclear.